The following is an entry in ClinVar:

NM_001040142.2(SCN2A):c.4980_4983del (p.Phe1661fs)

Gene: SCN2A (sodium voltage-gated channel alpha subunit 2; plus strand). Cytogenetic location: 2q24.3.
Variant type: Deletion.
Coding change: c.4980_4983del on transcript NM_001040142.2 (MANE Select); coding-DNA positions 4980 to 4983, 4 bases deleted (GTTT; older notation c.4980_4983delGTTT).
Protein change: p.Phe1661fs; shifts the reading frame from phenylalanine 1661.
Molecular consequence: frameshift variant.
Genome position (GRCh38, 1-based): chr2:165,388,786-165,388,789, GTTT deleted; deleting any 4 consecutive bases within chr2:165,388,784-165,388,789 gives the same sequence; the c. name uses the placement nearest the transcript's 3' end. VCF-style (leftmost placement, unchanged base first): chr2-165388783-GTTGT-G. GRCh37 (hg19) VCF-style: chr2-166245293-GTTGT-G.
Other names: c.4980_4983del, p.Phe1661fs (NM_001040143.2, NM_001371246.1, NM_001371247.1 and 1 more transcripts); c.4980_4983delGTTT (NM_021007.2); short protein forms F1661fs.
Identifiers: ClinVar variation 588387 (VCV000588387.6), dbSNP rs1558885691, ClinGen allele CA891842501.

ClinVar aggregate classification (germline): Pathogenic/Likely pathogenic. Review status: criteria provided, multiple submitters, no conflicts (2 of 4 stars). 2 submissions from 2 submitters: Pathogenic (1); Likely pathogenic (1). Last evaluated 2024-06-27.

Conditions:
Inborn genetic diseases. Identifiers: MedGen C0950123, MeSH D030342.
Developmental and epileptic encephalopathy, 11 (DEE11). Also called: Early infantile epileptic encephalopathy 11. Identifiers: Orphanet 1934, MedGen C3150987, MONDO:0013388, OMIM 613721.

Submissions (2):

Department of Human Genetics, Hannover Medical School
Classification: Likely pathogenic for Developmental and epileptic encephalopathy, 11. Last evaluated: 2024-06-27. Review status: criteria provided, single submitter. Criteria: ACMG Guidelines, 2015. Collection method: clinical testing. Allele origin: germline. Inheritance: Autosomal dominant inheritance. Affected: yes.

Ambry Genetics
Classification: Pathogenic for Inborn genetic diseases. Last evaluated: 2016-11-01. Review status: criteria provided, single submitter. Criteria: Ambry Variant Classification Scheme 2023. Collection method: clinical testing. Allele origin: germline.
Comment: The c.4980_4983delGTTT pathogenic mutation, located in coding exon 26 of the SCN2A gene, results from a deletion of 4 nucleotides at nucleotide positions 4980 to 4983, causing a translational frameshift with a predicted alternate stop codon. This alteration is expected to result in loss of function by premature protein truncation of the region including the S6 pore forming segment of repeat IV in the voltage-gated sodium channel. As such, this alteration is interpreted as a disease-causing mutation.